The following is an entry in ClinVar:

NM_153460.4(IL17RC):c.1103G>A (p.Cys368Tyr)

Gene: IL17RC (interleukin 17 receptor C; plus strand). Cytogenetic location: 3p25.3.
Variant type: single nucleotide variant.
Coding change: c.1103G>A on transcript NM_153460.4 (MANE Select); coding-DNA position 1103, G replaced by A.
Protein change: p.Cys368Tyr; replaces cysteine 368 with tyrosine.
Molecular consequence: missense variant. On other transcripts: non-coding transcript variant (1), intron variant (3).
Genome position (GRCh38, 1-based): chr3:9,928,623, G>A. VCF-style: chr3-9928623-G-A. GRCh37 (hg19) VCF-style: chr3-9970307-G-A.
Other names: c.1103G>A, p.Cys368Tyr (NM_001203263.2); c.1064G>A, p.Cys355Tyr (NM_001367278.1); c.983G>A, p.Cys328Tyr (NM_001367279.1); c.1058G>A, p.Cys353Tyr (NM_001367280.1, NM_032732.6); c.1316G>A, p.Cys439Tyr (NM_153461.4); c.1059+137G>A (NM_001203264.2); c.1014+137G>A (NM_001203265.2, NM_001410711.1); short protein forms C355Y, C439Y, C353Y, C328Y, C368Y.
Identifiers: ClinVar variation 3647770 (VCV003647770.2).

ClinVar aggregate classification (germline): Uncertain significance (1 of 4 stars; one submission).

Conditions:
Candidiasis, familial, 9 (CANDF9). Identifiers: Orphanet 1334, MedGen C4225324, MONDO:0014642, OMIM 616445.

Submission:

Labcorp Genetics (formerly Invitae), Labcorp
Classification: Uncertain significance for Candidiasis, familial, 9. Last evaluated: 2024-08-12. Review status: criteria provided, single submitter. Criteria: Invitae Variant Classification Sherloc (09022015). Collection method: clinical testing. Allele origin: germline.
Comment: This sequence change replaces cysteine, which is neutral and slightly polar, with tyrosine, which is neutral and polar, at codon 439 of the IL17RC protein (p.Cys439Tyr). This variant is present in population databases (no rsID available, gnomAD 0.01%). This variant has not been reported in the literature in individuals affected with IL17RC-related conditions. An algorithm developed to predict the effect of missense changes on protein structure and function (PolyPhen-2) suggests that this variant is likely to be disruptive. In summary, the available evidence is currently insufficient to determine the role of this variant in disease. Therefore, it has been classified as a Variant of Uncertain Significance.